The following is an entry in ClinVar:

ClinVar aggregate classification (germline): Uncertain significance (0 of 4 stars; one submission).

Conditions:
PLXNA4-related disorder. Also called: PLXNA4-related condition.

gnomAD v4.1: 2 of 1,608,228 alleles (0.00012%); highest among the groups gnomAD compares: Non-Finnish European, 0.00017%; no homozygotes.

Submission:

PreventionGenetics, part of Exact Sciences
Classification: Uncertain significance for PLXNA4-related condition. Last evaluated: 2024-02-17. Review status: no assertion criteria provided. Collection method: clinical testing. Allele origin: germline.
Comment: The PLXNA4 c.4060C>T variant is predicted to result in the amino acid substitution p.Leu1354Phe. To our knowledge, this variant has not been reported in the literature or in a large population database, indicating this variant is rare. At this time, the clinical significance of this variant is uncertain due to the absence of conclusive functional and genetic evidence.

NM_020911.2(PLXNA4):c.4060C>T (p.Leu1354Phe)

Gene: PLXNA4 (plexin A4; minus strand). Cytogenetic location: 7q32.3.
Variant type: single nucleotide variant.
Coding change: c.4060C>T on transcript NM_020911.2 (MANE Select); coding-DNA position 4060, C replaced by T.
Protein change: p.Leu1354Phe; replaces leucine 1354 with phenylalanine.
Molecular consequence: missense variant.
Genome position (GRCh38, 1-based): chr7:132,168,530, G>A on the plus strand (C>T on the coding strand, the complement: PLXNA4 is on the minus strand). VCF-style: chr7-132168530-G-A. GRCh37 (hg19) VCF-style: chr7-131853289-G-A.
Other names: c.4060C>T, p.Leu1354Phe (NM_001393897.1); short protein forms L1354F.
Identifiers: ClinVar variation 3349765 (VCV003349765.1).